The following is an entry in ClinVar:

ClinVar aggregate classification (germline): Uncertain significance (1 of 4 stars; one submission).

Conditions:
Hereditary cancer-predisposing syndrome. Also called: Neoplastic Syndromes, Hereditary; Tumor predisposition; Hereditary Cancer Syndrome; Hereditary neoplastic syndrome. Identifiers: Orphanet 140162, MedGen C0027672, MeSH D009386, MONDO:0015356.

Submission:

Ambry Genetics
Classification: Uncertain significance for Hereditary cancer-predisposing syndrome. Last evaluated: 2026-04-22. Review status: criteria provided, single submitter. Criteria: Ambry Variant Classification Scheme 2023. Collection method: clinical testing. Allele origin: germline.
Comment: The p.S1404C variant (also known as c.4211C>G), located in coding exon 15 of the APC gene, results from a C to G substitution at nucleotide position 4211. The serine at codon 1404 is replaced by cysteine, an amino acid with dissimilar properties. This amino acid position is highly conserved in available vertebrate species. Missense variants in APC are not a common cause of disease (Spier I et al. Genet Med. 2024 Feb;26(2):100992). Based on the available evidence, the clinical significance of this variant remains unclear.

NM_000038.6(APC):c.4211C>G (p.Ser1404Cys)

Gene: APC (APC regulator of Wnt signaling pathway; plus strand). Cytogenetic location: 5q22.2.
Variant type: single nucleotide variant.
Coding change: c.4211C>G on transcript NM_000038.6 (MANE Select); coding-DNA position 4211, C replaced by G.
Protein change: p.Ser1404Cys; replaces serine 1404 with cysteine.
Molecular consequence: missense variant. On other transcripts: non-coding transcript variant (2).
Genome position (GRCh38, 1-based): chr5:112,839,805, C>G. VCF-style: chr5-112839805-C-G. GRCh37 (hg19) VCF-style: chr5-112175502-C-G.
Other names: c.3824C>G, p.Ser1275Cys (NM_001407469.1, NM_001407467.1); c.3362C>G, p.Ser1121Cys (NM_001407470.1, NM_001354906.2); c.3059C>G, p.Ser1020Cys (NM_001407471.1, NM_001407472.1); c.4211C>G, p.Ser1404Cys (NM_001127510.3, NM_001407450.1, NM_001354895.2); c.4157C>G, p.Ser1386Cys (NM_001127511.3); c.3731C>G, p.Ser1244Cys (NM_001354905.2); c.4295C>G, p.Ser1432Cys (NM_001407446.1); c.4265C>G, p.Ser1422Cys (NM_001407447.1, NM_001407448.1, NM_001407449.1 and 1 more transcripts); and 11 more; short protein forms S1020C, S1121C, S1244C, S1275C, S1278C, S1303C, S1313C, S1321C.
Identifiers: ClinVar variation 4861244 (VCV004861244.1).